The following is an entry in ClinVar:

NM_015909.4(NBAS):c.5592A>G (p.Lys1864=)

Gene: NBAS (NBAS subunit of NRZ tethering complex; minus strand). Cytogenetic location: 2p24.3.
Variant type: single nucleotide variant.
Coding change: c.5592A>G on transcript NM_015909.4 (MANE Select); coding-DNA position 5592, A replaced by G.
Protein change: p.Lys1864=; no amino-acid change (lysine 1864 retained).
Molecular consequence: synonymous variant. On other transcripts: non-coding transcript variant (1).
Genome position (GRCh38, 1-based): chr2:15,275,616, T>C on the plus strand (A>G on the coding strand, the complement: NBAS is on the minus strand). VCF-style: chr2-15275616-T-C. GRCh37 (hg19) VCF-style: chr2-15415740-T-C.
Identifiers: ClinVar variation 4995494 (VCV004995494.2).

ClinVar aggregate classification (germline): Likely benign. Review status: criteria provided, multiple submitters, no conflicts (2 of 4 stars). 2 submissions from 2 submitters: Likely benign (2). Last evaluated 2026-09-08.

Conditions:
NBAS-related disorder. Also called: NBAS-related condition.

Submissions (2):

PreventionGenetics, part of Exact Sciences
Classification: Likely benign for NBAS-related condition. Last evaluated: 2026-09-08. Review status: criteria provided, single submitter. Criteria: ACMG Guidelines, 2015. Collection method: clinical testing. Allele origin: germline.
Comment: This variant is classified as likely benign based on ACMG/AMP sequence variant interpretation guidelines (Richards et al. 2015 PMID: 25741868, with internal and published modifications).

CeGaT Center for Human Genetics Tuebingen
Classification: Likely benign. Last evaluated: 2026-08-01. Review status: criteria provided, single submitter. Criteria: CeGaT Center For Human Genetics Tuebingen Variant Classification Criteria Version 2. Collection method: clinical testing. Allele origin: germline. Affected: yes. Observed: 1 variant allele.
Comment: NBAS: PM2:Supporting, BP4, BP7